The following is an entry in ClinVar:

ClinVar aggregate classification (germline): Uncertain significance (1 of 4 stars; one submission).

Allele frequency attached by ClinVar (database versions not stated): gnomAD 0.00001; gnomAD exomes 0.00002; TOPMed 0.00002; ExAC 0.00003.
gnomAD v4.1: 29 of 1,612,732 alleles (0.0018%); highest among the groups gnomAD compares: Admixed American, 0.0033%; no homozygotes.

Submission:

Labcorp Genetics (formerly Invitae), Labcorp
Classification: Uncertain significance. Last evaluated: 2025-01-06. Review status: criteria provided, single submitter. Criteria: Invitae Variant Classification Sherloc (09022015). Collection method: clinical testing. Allele origin: germline.
Comment: This sequence change replaces alanine, which is neutral and non-polar, with valine, which is neutral and non-polar, at codon 1252 of the DIP2C protein (p.Ala1252Val). This variant is present in population databases (rs752906155, gnomAD 0.005%). This variant has not been reported in the literature in individuals affected with DIP2C-related conditions. ClinVar contains an entry for this variant (Variation ID: 1431008). An algorithm developed to predict the effect of missense changes on protein structure and function (PolyPhen-2) suggests that this variant is likely to be disruptive. In summary, the available evidence is currently insufficient to determine the role of this variant in disease. Therefore, it has been classified as a Variant of Uncertain Significance.

NM_014974.3(DIP2C):c.3755C>T (p.Ala1252Val)

Gene: DIP2C (DIP2 acetate--CoA ligase C (putative); minus strand). Cytogenetic location: 10p15.3.
Variant type: single nucleotide variant.
Coding change: c.3755C>T on transcript NM_014974.3 (MANE Select); coding-DNA position 3755, C replaced by T.
Protein change: p.Ala1252Val; replaces alanine 1252 with valine.
Molecular consequence: missense variant.
Genome position (GRCh38, 1-based): chr10:327,175, G>A on the plus strand (C>T on the coding strand, the complement: DIP2C is on the minus strand). VCF-style: chr10-327175-G-A. GRCh37 (hg19) VCF-style: chr10-373115-G-A.
Other names: short protein forms A1252V.
Identifiers: ClinVar variation 1431008 (VCV001431008.6), dbSNP rs752906155, ClinGen allele CA5379796.